The following is an entry in ClinVar:

NM_001009944.3(PKD1):c.6375C>T (p.Asn2125=)

Gene: PKD1 (polycystin 1, transient receptor potential channel interacting; minus strand). Cytogenetic location: 16p13.3.
Variant type: single nucleotide variant.
Coding change: c.6375C>T on transcript NM_001009944.3 (MANE Select); coding-DNA position 6375, C replaced by T.
Protein change: p.Asn2125=; no amino-acid change (asparagine 2125 retained).
Molecular consequence: synonymous variant.
Genome position (GRCh38, 1-based): chr16:2,108,792, G>A on the plus strand (C>T on the coding strand, the complement: PKD1 is on the minus strand). VCF-style: chr16-2108792-G-A. GRCh37 (hg19) VCF-style: chr16-2158793-G-A.
Other names: c.6375C>T, p.Asn2125= (NM_000296.4).
Identifiers: ClinVar variation 4980268 (VCV004980268.1).

ClinVar aggregate classification (germline): Likely benign (1 of 4 stars; one submission).

Conditions:
PKD1-related disorder. Also called: PKD1-related condition.

gnomAD v4.1: 50 of 1,570,088 alleles (0.0032%); highest among the groups gnomAD compares: Admixed American, 0.013%; no homozygotes.

Submission:

PreventionGenetics, part of Exact Sciences
Classification: Likely benign for PKD1-related condition. Last evaluated: 2026-01-07. Review status: criteria provided, single submitter. Criteria: ACMG Guidelines, 2015. Collection method: clinical testing. Allele origin: germline.
Comment: This variant is classified as likely benign based on ACMG/AMP sequence variant interpretation guidelines (Richards et al. 2015 PMID: 25741868, with internal and published modifications).